The following is an entry in ClinVar:

ClinVar aggregate classification (germline): Likely benign (0 of 4 stars; one submission).

Conditions:
HS6ST1-related disorder. Also called: HS6ST1-related condition.

Allele frequency attached by ClinVar (database versions not stated): TOPMed below 0.00001; 1000 Genomes Project 30x 0.00016; ExAC 0.00121.
gnomAD v4.1: 127 of 1,481,610 alleles (0.0086%); highest among the groups gnomAD compares: South Asian, 0.15%; 2 homozygotes.

Submission:

PreventionGenetics, part of Exact Sciences
Classification: Likely benign for HS6ST1-related condition. Last evaluated: 2019-04-09. Review status: no assertion criteria provided. Collection method: clinical testing. Allele origin: germline.
Comment: This variant is classified as likely benign based on ACMG/AMP sequence variant interpretation guidelines (Richards et al. 2015 PMID: 25741868, with internal and published modifications).

NM_004807.3(HS6ST1):c.527+9C>T

Genes: HS6ST1 (heparan sulfate 6-O-sulfotransferase 1; minus strand), LOC129934748 (ATAC-STARR-seq lymphoblastoid silent region 11948; plus strand). Cytogenetic location: 2q14.3.
Variant type: single nucleotide variant.
Coding change: c.527+9C>T on transcript NM_004807.3 (MANE Select); 9 bases into the intron after coding-DNA position 527, C replaced by T.
Molecular consequence: intron variant.
Genome position (GRCh38, 1-based): chr2:128,318,028, G>A on the plus strand (C>T on the coding strand, the complement: HS6ST1 is on the minus strand). VCF-style: chr2-128318028-G-A. GRCh37 (hg19) VCF-style: chr2-129075602-G-A.
Identifiers: ClinVar variation 3057836 (VCV003057836.2), dbSNP rs534608659, ClinGen allele CA1867626.